The following is an entry in ClinVar:

NM_024596.5(MCPH1):c.1845A>C (p.Thr615=)

Gene: MCPH1 (microcephalin 1; plus strand). Cytogenetic location: 8p23.1.
Variant type: single nucleotide variant.
Coding change: c.1845A>C on transcript NM_024596.5 (MANE Select); coding-DNA position 1845, A replaced by C.
Protein change: p.Thr615=; no amino-acid change (threonine 615 retained).
Molecular consequence: synonymous variant.
Genome position (GRCh38, 1-based): chr8:6,455,162, A>C. VCF-style: chr8-6455162-A-C. GRCh37 (hg19) VCF-style: chr8-6312683-A-C.
Other names: c.1845A>C, p.Thr615= (NM_001322042.2, NM_001363979.1, NM_001363980.2).
Identifiers: ClinVar variation 158829 (VCV000158829.21), dbSNP rs186547090, ClinGen allele CA172497.

ClinVar aggregate classification (germline): Benign/Likely benign. Review status: criteria provided, multiple submitters, no conflicts (2 of 4 stars). 7 submissions from 7 submitters: Benign (3); Likely benign (4). Last evaluated 2026-07-01.

Conditions:
Microcephaly 1, primary, autosomal recessive (MCPH1). Also called: PREMATURE CHROMOSOME CONDENSATION SYNDROME; PCC SYNDROME; PREMATURE CHROMOSOME CONDENSATION WITH MICROCEPHALY AND MENTAL RETARDATION. Identifiers: Orphanet 2512, MedGen C1855081, MONDO:0009617, OMIM 251200.

Allele frequency attached by ClinVar (database versions not stated): gnomAD exomes 0.00037 and 0.00107; ExAC 0.00129; ESP Exome Variant Server 0.00337; gnomAD 0.00378 and 0.00403; TOPMed 0.00479; 1000 Genomes Project 0.00539; 1000 Genomes Project 30x 0.00625.
gnomAD v4.1: 1,152 of 1,614,020 alleles (0.071%); highest among the groups gnomAD compares: African/African-American, 1.3%; 8 homozygotes.

Submissions (7):

CeGaT Center for Human Genetics Tuebingen
Classification: Likely benign. Last evaluated: 2026-07-01. Review status: criteria provided, single submitter. Criteria: CeGaT Center For Human Genetics Tuebingen Variant Classification Criteria Version 2. Collection method: clinical testing. Allele origin: germline. Affected: yes. Observed: 1 variant allele.
Comment: MCPH1: BP4, BP7, BS1

Labcorp Genetics (formerly Invitae), Labcorp
Classification: Benign. Last evaluated: 2026-01-31. Review status: criteria provided, single submitter. Criteria: Invitae Variant Classification Sherloc (09022015). Collection method: clinical testing. Allele origin: germline.

Athena Diagnostics
Classification: Benign. Last evaluated: 2024-10-21. Review status: criteria provided, single submitter. Criteria: Athena Diagnostics Criteria. Collection method: clinical testing. Allele origin: unknown.

Blueprint Genetics
Classification: Likely benign. Last evaluated: 2024-07-18. Review status: criteria provided, single submitter. Criteria: ACMG Guidelines, 2015. Collection method: clinical testing. Allele origin: germline.

GeneDx
Classification: Benign. Last evaluated: 2020-02-03. Review status: criteria provided, single submitter. Criteria: GeneDx Variant Classification Process June 2021. Collection method: clinical testing. Allele origin: germline. Affected: yes.

Illumina Laboratory Services, Illumina
Classification: Likely benign for Microcephaly 1, primary, autosomal recessive. Last evaluated: 2018-01-13. Review status: criteria provided, single submitter. Criteria: ICSL Variant Classification Criteria 13 December 2019. Collection method: clinical testing. Allele origin: germline.
Comment: This variant was observed in the ICSL laboratory as part of a predisposition screen in an ostensibly healthy population. It had not been previously curated by ICSL or reported in the Human Gene Mutation Database (HGMD: prior to June 1st, 2018), and was therefore a candidate for classification through an automated scoring system. Utilizing variant allele frequency, disease prevalence and penetrance estimates, and inheritance mode, an automated score was calculated to assess if this variant is too frequent to cause the disease. Based on the score and internal cut-off values, a variant classified as likely benign is not then subjected to further curation. The score for this variant resulted in a classification of likely benign for this disease.

Genetic Services Laboratory, University of Chicago
Classification: Likely benign. Last evaluated: 2014-06-27. Review status: criteria provided, single submitter. Criteria: ACMG Guidelines, 2015. Collection method: clinical testing. Allele origin: germline. Inheritance: Autosomal recessive inheritance.